The following is an entry in ClinVar:

ClinVar aggregate classification (germline): Benign. Review status: criteria provided, multiple submitters, no conflicts (2 of 4 stars). 2 submissions from 2 submitters: Benign (2). Last evaluated 2020-02-18.

Allele frequency attached by ClinVar (database versions not stated): gnomAD exomes 0.60537; gnomAD 0.68322 and 0.68562; ESP Exome Variant Server 0.68392; TOPMed 0.70635; 1000 Genomes Project 0.73423; 1000 Genomes Project 30x 0.74032.
gnomAD v4.1: 990,130 of 1,613,590 alleles (61%); highest among the groups gnomAD compares: African/African-American, 88%; 308,536 homozygotes.

Submissions (2):

GeneDx
Classification: Benign. Last evaluated: 2020-02-18. Review status: criteria provided, single submitter. Criteria: GeneDx Variant Classification Process June 2021. Collection method: clinical testing. Allele origin: germline. Affected: yes.
Comment: This variant is associated with the following publications: (PMID: 23928294)

Breakthrough Genomics
Classification: Benign. Review status: criteria provided, single submitter. Criteria: ACMG Guidelines, 2015. Collection method: not provided. Allele origin: germline. Inheritance: Unknown mechanism. Affected: yes.

NM_001256613.2(HTR3E):c.211G>A (p.Ala71Thr)

Genes: HTR3E (5-hydroxytryptamine receptor 3E; plus strand), HTR3E-AS1 (HTR3E antisense RNA 1; minus strand). Cytogenetic location: 3q27.1.
Variant type: single nucleotide variant.
Coding change: c.211G>A on transcript NM_001256613.2 (MANE Select); coding-DNA position 211, G replaced by A.
Protein change: p.Ala71Thr; replaces alanine 71 with threonine.
Molecular consequence: missense variant.
Genome position (GRCh38, 1-based): chr3:184,100,628, G>A. VCF-style: chr3-184100628-G-A. GRCh37 (hg19) VCF-style: chr3-183818416-G-A.
Other names: c.256G>A, p.Ala86Thr (NM_001256614.1, NM_182589.2, NM_198314.2); c.211G>A, p.Ala71Thr (NM_198313.3); short protein forms A71T, A86T.
Identifiers: ClinVar variation 1242214 (VCV001242214.3), dbSNP rs7627615, ClinGen allele CA2725893.